The following is an entry in ClinVar:

NM_002900.3(RBP3):c.176A>G (p.His59Arg)

Gene: RBP3 (retinol binding protein 3; plus strand). Cytogenetic location: 10q11.22.
Variant type: single nucleotide variant.
Coding change: c.176A>G on transcript NM_002900.3 (MANE Select); coding-DNA position 176, A replaced by G.
Protein change: p.His59Arg; replaces histidine 59 with arginine.
Molecular consequence: missense variant.
Genome position (GRCh38, 1-based): chr10:47,348,660, A>G. VCF-style: chr10-47348660-A-G. GRCh37 (hg19) VCF-style: chr10-48390702-T-C.
Other names: short protein forms H59R.
Identifiers: ClinVar variation 844496 (VCV000844496.9), dbSNP rs1836892712, ClinGen allele CA376664335.

ClinVar aggregate classification (germline): Uncertain significance (1 of 4 stars; one submission).

Allele frequency attached by ClinVar (database versions not stated): gnomAD exomes below 0.00001.
gnomAD v4.1: 2 of 1,613,598 alleles (0.00012%); highest among the groups gnomAD compares: Middle Eastern, 0.016%; no homozygotes.

Submission:

Labcorp Genetics (formerly Invitae), Labcorp
Classification: Uncertain significance. Last evaluated: 2019-11-22. Review status: criteria provided, single submitter. Criteria: Invitae Variant Classification Sherloc (09022015). Collection method: clinical testing. Allele origin: germline.
Comment: This sequence change replaces histidine with arginine at codon 59 of the RBP3 protein (p.His59Arg). The histidine residue is weakly conserved and there is a small physicochemical difference between histidine and arginine. This variant is not present in population databases (ExAC no frequency). This variant has not been reported in the literature in individuals with RBP3-related conditions. Algorithms developed to predict the effect of missense changes on protein structure and function output the following: SIFT: "Tolerated"; PolyPhen-2: "Benign"; Align-GVGD: "Class C0". The arginine amino acid residue is found in multiple mammalian species, suggesting that this missense change does not adversely affect protein function. These predictions have not been confirmed by published functional studies and their clinical significance is uncertain. Algorithms developed to predict the effect of sequence changes on RNA splicing suggest that this variant may create or strengthen a splice site, but this prediction has not been confirmed by published transcriptional studies. In summary, the available evidence is currently insufficient to determine the role of this variant in disease. Therefore, it has been classified as a Variant of Uncertain Significance.